The following is an entry in ClinVar:

ClinVar aggregate classification (germline): Uncertain significance. Review status: criteria provided, multiple submitters, no conflicts (2 of 4 stars). 3 submissions from 3 submitters: Uncertain significance (3). Last evaluated 2024-08-19.

Conditions:
Arrhythmogenic right ventricular dysplasia 10. Also called: Arrhythmogenic Right Ventricular Dysplasia/Cardiomyopathy10; ARRHYTHMOGENIC RIGHT VENTRICULAR DYSPLASIA, FAMILIAL, 10; Arrhythmogenic right ventricular dysplasia/cardiomyopathy, type 10. Identifiers: MedGen C1857777, MONDO:0012434, OMIM 610193.
Cardiovascular phenotype. Identifiers: MedGen CN230736.

Allele frequency attached by ClinVar (database versions not stated): gnomAD exomes below 0.00001; TOPMed below 0.00001; gnomAD 0.00001.
gnomAD v4.1: 3 of 1,613,782 alleles (0.00019%); highest among the groups gnomAD compares: African/African-American, 0.004%; no homozygotes.

Submissions (3):

Labcorp Genetics (formerly Invitae), Labcorp
Classification: Uncertain significance for Arrhythmogenic right ventricular dysplasia 10. Last evaluated: 2024-08-19. Review status: criteria provided, single submitter. Criteria: Invitae Variant Classification Sherloc (09022015). Collection method: clinical testing. Allele origin: germline.
Comment: This sequence change replaces valine, which is neutral and non-polar, with methionine, which is neutral and non-polar, at codon 210 of the DSG2 protein (p.Val210Met). This variant is present in population databases (no rsID available, gnomAD 0.008%). This variant has not been reported in the literature in individuals affected with DSG2-related conditions. ClinVar contains an entry for this variant (Variation ID: 2563304). Invitae Evidence Modeling of protein sequence and biophysical properties (such as structural, functional, and spatial information, amino acid conservation, physicochemical variation, residue mobility, and thermodynamic stability) indicates that this missense variant is not expected to disrupt DSG2 protein function with a negative predictive value of 95%. In summary, the available evidence is currently insufficient to determine the role of this variant in disease. Therefore, it has been classified as a Variant of Uncertain Significance.

GeneDx
Classification: Uncertain significance. Last evaluated: 2023-07-24. Review status: criteria provided, single submitter. Criteria: GeneDx Variant Classification Process June 2021. Collection method: clinical testing. Allele origin: germline. Affected: yes.
Comment: Not observed at significant frequency in large population cohorts (gnomAD); In silico analysis supports that this missense variant does not alter protein structure/function; Has not been previously published as pathogenic or benign to our knowledge

Ambry Genetics
Classification: Uncertain significance for Cardiovascular phenotype. Last evaluated: 2023-04-03. Review status: criteria provided, single submitter. Criteria: Ambry Variant Classification Scheme 2023. Collection method: clinical testing. Allele origin: germline.
Comment: The p.V210M variant (also known as c.628G>A), located in coding exon 6 of the DSG2 gene, results from a G to A substitution at nucleotide position 628. The valine at codon 210 is replaced by methionine, an amino acid with highly similar properties. This amino acid position is conserved. In addition, this alteration is predicted to be tolerated by in silico analysis. Since supporting evidence is limited at this time, the clinical significance of this alteration remains unclear.

NM_001943.5(DSG2):c.628G>A (p.Val210Met)

Gene: DSG2 (desmoglein 2; plus strand). Cytogenetic location: 18q12.1.
Variant type: single nucleotide variant.
Coding change: c.628G>A on transcript NM_001943.5 (MANE Select); coding-DNA position 628, G replaced by A.
Protein change: p.Val210Met; replaces valine 210 with methionine.
Molecular consequence: missense variant.
Genome position (GRCh38, 1-based): chr18:31,522,187, G>A. VCF-style: chr18-31522187-G-A. GRCh37 (hg19) VCF-style: chr18-29102150-G-A.
Other names: short protein forms V210M.
Identifiers: ClinVar variation 2563304 (VCV002563304.5), dbSNP rs1373644171, ClinGen allele CA402133790.